The following is an entry in ClinVar:

ClinVar aggregate classification (germline): Benign/Likely benign. Review status: criteria provided, multiple submitters, no conflicts (2 of 4 stars). 3 submissions from 3 submitters: Benign (1); Likely benign (2). Last evaluated 2025-11-22.

Conditions:
Hereditary leiomyomatosis and renal cell cancer. Also called: Familial leiomyomatosis; Reed syndrome; Multiple cutaneous and uterine leiomyomatosis; Cutaneous leiomyomata with uterine leiomyomata; Leiomyoma, hereditary multiple, of skin; Multiple cutaneous and uterine leiomyomata. Identifiers: Orphanet 523, MedGen C1708350, MONDO:0007888, OMIM 150800, HP:0007437. Disease mechanism: loss of function.
Hereditary cancer-predisposing syndrome. Also called: Neoplastic Syndromes, Hereditary; Hereditary Cancer Syndrome; Hereditary neoplastic syndrome; Tumor predisposition. Identifiers: Orphanet 140162, MedGen C0027672, MeSH D009386, MONDO:0015356.

Allele frequency attached by ClinVar (database versions not stated): gnomAD exomes below 0.00001 and 0.00001; gnomAD 0.00001; ExAC 0.00002; TOPMed 0.00002.
gnomAD v4.1: 6 of 1,613,876 alleles (0.00037%); highest among the groups gnomAD compares: Admixed American, 0.0033%; no homozygotes.

Submissions (3):

Labcorp Genetics (formerly Invitae), Labcorp
Classification: Likely benign. Last evaluated: 2025-11-22. Review status: criteria provided, single submitter. Criteria: Invitae Variant Classification Sherloc (09022015). Collection method: clinical testing. Allele origin: germline.

Myriad Genetics, Inc.
Classification: Benign for Hereditary leiomyomatosis and renal cell cancer. Last evaluated: 2024-10-21. Review status: criteria provided, single submitter. Criteria: Myriad Autosomal Dominant, Autosomal Recessive and X-Linked Classification Criteria (2023). Collection method: clinical testing. Allele origin: unknown.
Comment: This variant is considered benign. This variant is a silent/synonymous amino acid change and it is not expected to impact splicing.

Ambry Genetics
Classification: Likely benign for Hereditary cancer-predisposing syndrome. Last evaluated: 2021-11-08. Review status: criteria provided, single submitter. Criteria: Ambry Variant Classification Scheme 2023. Collection method: clinical testing. Allele origin: germline.

NM_000143.4(FH):c.1341G>A (p.Lys447=)

Gene: FH (fumarate hydratase; minus strand). Cytogenetic location: 1q43.
Variant type: single nucleotide variant.
Coding change: c.1341G>A on transcript NM_000143.4 (MANE Select); coding-DNA position 1341, G replaced by A.
Protein change: p.Lys447=; no amino-acid change (lysine 447 retained).
Molecular consequence: synonymous variant.
Genome position (GRCh38, 1-based): chr1:241,500,486, C>T on the plus strand (G>A on the coding strand, the complement: FH is on the minus strand). VCF-style: chr1-241500486-C-T. GRCh37 (hg19) VCF-style: chr1-241663786-C-T.
Identifiers: ClinVar variation 702418 (VCV000702418.12), dbSNP rs748363858, ClinGen allele CA1478475.